The following is an entry in ClinVar:

NM_013245.3(VPS4A):c.390C>T (p.Ala130=)

Gene: VPS4A (vacuolar protein sorting 4 homolog A; plus strand). Cytogenetic location: 16q22.1.
Variant type: single nucleotide variant.
Coding change: c.390C>T on transcript NM_013245.3 (MANE Select); coding-DNA position 390, C replaced by T.
Protein change: p.Ala130=; no amino-acid change (alanine 130 retained).
Molecular consequence: synonymous variant.
Genome position (GRCh38, 1-based): chr16:69,318,869, C>T. VCF-style: chr16-69318869-C-T. GRCh37 (hg19) VCF-style: chr16-69352772-C-T.
Identifiers: ClinVar variation 2646668 (VCV002646668.24), dbSNP rs373885021, ClinGen allele CA8133127.

ClinVar aggregate classification (germline): Likely benign (1 of 4 stars; one submission).

Allele frequency attached by ClinVar (database versions not stated): TOPMed 0.00004; gnomAD 0.00005; gnomAD exomes 0.00005; ExAC 0.00007; ESP Exome Variant Server 0.00008.

Submission:

CeGaT Center for Human Genetics Tuebingen
Classification: Likely benign. Last evaluated: 2022-03-01. Review status: criteria provided, single submitter. Criteria: CeGaT Center For Human Genetics Tuebingen Variant Classification Criteria Version 2. Collection method: clinical testing. Allele origin: germline. Affected: yes. Observed: 1 variant allele.
Comment: VPS4A: BP4, BP7